The following is an entry in ClinVar:

NM_199420.4(POLQ):c.5408G>T (p.Ser1803Ile)

Gene: POLQ (DNA polymerase theta; minus strand). Cytogenetic location: 3q13.33.
Variant type: single nucleotide variant.
Coding change: c.5408G>T on transcript NM_199420.4 (MANE Select); coding-DNA position 5408, G replaced by T.
Protein change: p.Ser1803Ile; replaces serine 1803 with isoleucine.
Molecular consequence: missense variant.
Genome position (GRCh38, 1-based): chr3:121,487,523, C>A on the plus strand (G>T on the coding strand, the complement: POLQ is on the minus strand). VCF-style: chr3-121487523-C-A. GRCh37 (hg19) VCF-style: chr3-121206370-C-A.
Other names: short protein forms S1803I.
Identifiers: ClinVar variation 1747335 (VCV001747335.2), dbSNP rs192758267, ClinGen allele CA354090263.

ClinVar aggregate classification (germline): Uncertain significance (1 of 4 stars; one submission).

gnomAD v4.1: 2 of 1,613,934 alleles (0.00012%); highest among the groups gnomAD compares: Non-Finnish European, 0.00017%; no homozygotes.

Submission:

Ambry Genetics
Classification: Uncertain significance. Last evaluated: 2024-02-24. Review status: criteria provided, single submitter. Criteria: Ambry Variant Classification Scheme 2023. Collection method: clinical testing. Allele origin: germline.
Comment: The p.S1803I variant (also known as c.5408G>T), located in coding exon 16 of the POLQ gene, results from a G to T substitution at nucleotide position 5408. The serine at codon 1803 is replaced by isoleucine, an amino acid with dissimilar properties. This amino acid position is conserved. In addition, this alteration is predicted to be tolerated by in silico analysis. Since supporting evidence is limited at this time, the clinical significance of this alteration remains unclear.